The following is an entry in ClinVar:

NM_003836.7(DLK1):c.269G>A (p.Arg90Gln)

Gene: DLK1 (delta like non-canonical Notch ligand 1; plus strand). Cytogenetic location: 14q32.2.
Variant type: single nucleotide variant.
Coding change: c.269G>A on transcript NM_003836.7 (MANE Select); coding-DNA position 269, G replaced by A.
Protein change: p.Arg90Gln; replaces arginine 90 with glutamine.
Molecular consequence: missense variant.
Genome position (GRCh38, 1-based): chr14:100,732,048, G>A. VCF-style: chr14-100732048-G-A. GRCh37 (hg19) VCF-style: chr14-101198385-G-A.
Other names: c.269G>A, p.Arg90Gln (NM_001317172.2); short protein forms R90Q.
Identifiers: ClinVar variation 4534257 (VCV004534257.6).

ClinVar aggregate classification (germline): Benign (1 of 4 stars; one submission).

Submission:

CeGaT Center for Human Genetics Tuebingen
Classification: Benign. Last evaluated: 2025-11-01. Review status: criteria provided, single submitter. Criteria: CeGaT Center For Human Genetics Tuebingen Variant Classification Criteria Version 2. Collection method: clinical testing. Allele origin: germline. Affected: yes. Observed: 1 variant allele.
Comment: DLK1: BS1, BS2